The following is an entry in ClinVar:

NM_003060.4(SLC22A5):c.1441G>A (p.Val481Ile)

Gene: SLC22A5 (solute carrier family 22 member 5; plus strand). Cytogenetic location: 5q31.1.
Variant type: single nucleotide variant.
Coding change: c.1441G>A on transcript NM_003060.4 (MANE Select); coding-DNA position 1441, G replaced by A.
Protein change: p.Val481Ile; replaces valine 481 with isoleucine.
Molecular consequence: missense variant.
Genome position (GRCh38, 1-based): chr5:132,392,606, G>A. VCF-style: chr5-132392606-G-A. GRCh37 (hg19) VCF-style: chr5-131728298-G-A.
Other names: p.Val481Ile; c.1513G>A, p.Val505Ile (NM_001308122.2); short protein forms V481I, V505I.
Identifiers: ClinVar variation 380141 (VCV000380141.70), dbSNP rs11568513, ClinGen allele CA3404155.
Genomic context (GRCh38, chr5:132,392,606, plus strand): 5'-ATGGGTGTGGGAGTCAGCTCCACAGCATCCCGCCTGGGCAGCATCCTGTCTCCCTACTTC[G>A]TTTACCTTGGTAAGTCCCATGAGCCAAGGGCACACTAGAGCAACGGGATGGAAGTACTAA-3'
Protein context (NP_003051.1, residues 471-491): RLGSILSPYF[Val481Ile]YLGAYDRFLP

ClinVar aggregate classification (germline): Conflicting classifications of pathogenicity. Review status: criteria provided, conflicting classifications (1 of 4 stars). 10 submissions from 10 submitters: Uncertain significance (3); Likely benign (6). 1 of the submissions does not count toward it. Last evaluated 2026-02-02.

Conditions:
Renal carnitine transport defect (CDSP). Also called: Systemic primary carnitine deficiency disease; Systemic primary carnitine deficiency; Primary carnitine deficiency; Carnitine transporter deficiency; Carnitine Deficiency, Systemic; CARNITINE DEFICIENCY, SYSTEMIC, DUE TO DEFECT IN RENAL REABSORPTION OF CARNITINE. Identifiers: Orphanet 158, MedGen C0342788, MONDO:0008919, OMIM 212140.
SLC22A5-related disorder. Also called: SLC22A5-related condition.

Allele frequency attached by ClinVar (database versions not stated): gnomAD exomes 0.00071; ExAC 0.00077; 1000 Genomes Project 0.00140; 1000 Genomes Project 30x 0.00141; ESP Exome Variant Server 0.00046; TOPMed 0.00057; gnomAD 0.00061.

Submissions (10):

Labcorp Genetics (formerly Invitae), Labcorp
Classification: Likely benign for Renal carnitine transport defect. Last evaluated: 2026-02-02. Review status: criteria provided, single submitter. Criteria: Invitae Variant Classification Sherloc (09022015). Collection method: clinical testing. Allele origin: germline.

CeGaT Center for Human Genetics Tuebingen
Classification: Likely benign. Last evaluated: 2025-06-01. Review status: criteria provided, single submitter. Criteria: CeGaT Center For Human Genetics Tuebingen Variant Classification Criteria Version 2. Collection method: clinical testing. Allele origin: germline. Affected: yes. Observed: 2 variant alleles.
Comment: SLC22A5: BP4

Blueprint Genetics
Classification: Likely benign. Last evaluated: 2024-11-12. Review status: criteria provided, single submitter. Criteria: ACMG Guidelines, 2015. Collection method: clinical testing. Allele origin: germline.

Giacomini Lab, University of California, San Francisco
Classification: Likely benign for Renal carnitine transport defect. Last evaluated: 2022-10-03. Review status: criteria provided, single submitter. Criteria: ACMG Guidelines, 2015. Collection method: research, in vitro. Allele origin: germline, not applicable.

Laboratorio de Genetica e Diagnostico Molecular, Hospital Israelita Albert Einstein
Classification: Uncertain significance for Renal carnitine transport defect. Last evaluated: 2021-05-27. Review status: criteria provided, single submitter. Criteria: ACMG Guidelines, 2015. Collection method: clinical testing. Allele origin: germline. Affected: yes.
Comment: ACMG classification criteria: BP4 supporting

Genome-Nilou Lab
Classification: Uncertain significance for Renal carnitine transport defect. Last evaluated: 2021-05-18. Review status: criteria provided, single submitter. Criteria: ACMG Guidelines, 2015. Collection method: clinical testing. Allele origin: germline. Affected: no.

GeneDx
Classification: Likely benign. Last evaluated: 2020-12-07. Review status: criteria provided, single submitter. Criteria: GeneDx Variant Classification Process June 2021. Collection method: clinical testing. Allele origin: germline. Affected: yes.
Comment: This variant is associated with the following publications: (PMID: 16931768, 29406958)

ARUP Laboratories, Molecular Genetics and Genomics, ARUP Laboratories
Classification: Likely benign for Renal carnitine transport defect. Last evaluated: 2018-10-10. Review status: criteria provided, single submitter. Criteria: ARUP Molecular Germline Variant Investigation Process. Collection method: clinical testing. Allele origin: germline.

Illumina Laboratory Services, Illumina
Classification: Uncertain significance for Renal carnitine transport defect. Last evaluated: 2018-02-13. Review status: criteria provided, single submitter. Criteria: ICSL Variant Classification Criteria 13 December 2019. Collection method: clinical testing. Allele origin: germline.
Comment: This variant was observed as part of a predisposition screen in an ostensibly healthy population. A literature search was performed for the gene, cDNA change, and amino acid change (where applicable). Publications were found based on this search. However, the evidence from the literature, in combination with allele frequency data from public databases where available, was not sufficient to rule this variant in or out of causing disease. Therefore, this variant is classified as a variant of unknown significance.

PreventionGenetics, part of Exact Sciences
Classification: Likely benign for SLC22A5-related condition. Last evaluated: 2023-02-14. Review status: no assertion criteria provided. Collection method: clinical testing. Allele origin: germline. Not counted in ClinVar's aggregate classification.
Comment: This variant is classified as likely benign based on ACMG/AMP sequence variant interpretation guidelines (Richards et al. 2015 PMID: 25741868, with internal and published modifications).

Literature cited by the submitters: PubMed 18337137 (cited by Illumina Laboratory Services, Illumina); PubMed 16931768 (cited by Illumina Laboratory Services, Illumina).